The following is an entry in ClinVar:

ClinVar aggregate classification (somatic clinical impact): Tier II - Potential (1 of 4 stars; one submission).

Conditions:
Embryonal rhabdomyosarcoma (ERMS). Also called: Botryoid rhabdomyosarcoma (type of ERMS); Spindle cell rhabdomyosarcomas (type of ERMS). Identifiers: Orphanet 99757, MedGen C0206656, MONDO:0009993, HP:0006743.

Submission:

Institute for Genomic Medicine (IGM) Clinical Laboratory, Nationwide Children's Hospital
Classification: Tier II - Potential for Embryonal rhabdomyosarcoma. Assertion type: diagnostic. Clinical significance: supports diagnosis. Last evaluated: 2024-09-27. Review status: criteria provided, single submitter. Criteria: AMP/ASCO/CAP Guidelines, 2017. Collection method: clinical testing. Allele origin: somatic. Affected: yes.
Comment: Variant has Tier II (potential) clinical significance as a diagnostic inclusion criterion in embryonal rhabdomyosarcoma, based on the following evidence: 1) Appears in one or more well-established professional guidelines (e.g., World Health Organization [WHO]; National Comprehensive Cancer Network [NCCN]) as providing diagnostic, prognostic, or therapeutic information. 2) Diagnostic significance based on multiple small studies (Evidence Level C; PMIDs: 24436047, 25768946, 34166060).

Literature cited by the submitters: PubMed 24436047; PubMed 25768946; PubMed 34166060.

NM_213647.3(FGFR4):c.170G>T (p.Cys57Phe)

Gene: FGFR4 (fibroblast growth factor receptor 4; plus strand). Cytogenetic location: 5q35.2.
Variant type: single nucleotide variant.
Coding change: c.170G>T on transcript NM_213647.3 (MANE Select); coding-DNA position 170, G replaced by T.
Protein change: p.Cys57Phe; replaces cysteine 57 with phenylalanine.
Molecular consequence: missense variant.
Genome position (GRCh38, 1-based): chr5:177,090,468, G>T. VCF-style: chr5-177090468-G-T. GRCh37 (hg19) VCF-style: chr5-176517469-G-T.
Other names: c.170G>T, p.Cys57Phe (NM_001291980.2, NM_001354984.2, NM_002011.5 and 1 more transcripts); short protein forms C57F.
Identifiers: ClinVar variation 4530036 (VCV004530036.1).